The following is an entry in ClinVar:

NM_138694.4(PKHD1):c.10392del (p.Ile3465fs)

Gene: PKHD1 (PKHD1 ciliary IPT domain containing fibrocystin/polyductin; minus strand). Cytogenetic location: 6p12.3.
Variant type: Deletion.
Coding change: c.10392del on transcript NM_138694.4 (MANE Select); coding-DNA position 10392, one base deleted (C; older notation c.10392delC).
Protein change: p.Ile3465fs; shifts the reading frame from isoleucine 3465.
Molecular consequence: frameshift variant.
Genome position (GRCh38, 1-based): chr6:51,659,734, G deleted on the plus strand (C on the coding strand, the reverse complement: PKHD1 is on the minus strand); the first of 3 consecutive G bases (chr6:51,659,734-51,659,736); deleting any one gives the same sequence. VCF-style (leftmost placement, unchanged base first): chr6-51659733-TG-T. GRCh37 (hg19) VCF-style: chr6-51524531-TG-T.
Other names: short protein forms I3465fs.
Identifiers: ClinVar variation 1377482 (VCV001377482.6), dbSNP rs2150416702, ClinGen allele CA2573140941.
Genomic context (GRCh38, chr6:51,659,733, plus strand): 5'-GAAAAAAGCGCAAAACTTGAGGAGTTTGATCCATGAAGCAGACTTTGGTGATTTGCCTGA[TG>T]GGTAAGATAGAATAGAAAGTAGACACTGACCCAGAAGTAGAGCAGGGAATATTGGCATTT-3'

ClinVar aggregate classification (germline): Pathogenic (1 of 4 stars; one submission).

Conditions:
Autosomal recessive polycystic kidney disease (ARPKD). Also called: AR polycystic kidney disease. Identifiers: Orphanet 731, Orphanet 8378, MedGen C0085548, MeSH D017044, MONDO:0009889.

Submission:

Labcorp Genetics (formerly Invitae), Labcorp
Classification: Pathogenic for Autosomal recessive polycystic kidney disease. Last evaluated: 2021-09-19. Review status: criteria provided, single submitter. Criteria: Invitae Variant Classification Sherloc (09022015). Collection method: clinical testing. Allele origin: germline.
Comment: This variant has not been reported in the literature in individuals affected with PKHD1-related conditions. This variant is not present in population databases (ExAC no frequency). This sequence change creates a premature translational stop signal (p.Ile3465Serfs*46) in the PKHD1 gene. It is expected to result in an absent or disrupted protein product. Loss-of-function variants in PKHD1 are known to be pathogenic (PMID: 19940839). For these reasons, this variant has been classified as Pathogenic.

Literature cited by the submitters: PubMed 19940839.